The following is an entry in ClinVar:

ClinVar aggregate classification (germline): Uncertain significance. Review status: criteria provided, multiple submitters, no conflicts (2 of 4 stars). 2 submissions from 2 submitters: Uncertain significance (2). Last evaluated 2024-06-18.

Conditions:
Autoimmune lymphoproliferative syndrome, type III caused by mutation in PRKCD. Identifiers: Orphanet 3261, Orphanet 664711, MedGen C3809928, MONDO:8000024, OMIM 615559.
Inborn genetic diseases. Identifiers: MedGen C0950123, MeSH D030342.

Submissions (2):

Ambry Genetics
Classification: Uncertain significance for Inborn genetic diseases. Last evaluated: 2024-06-18. Review status: criteria provided, single submitter. Criteria: Ambry Variant Classification Scheme 2023. Collection method: clinical testing. Allele origin: germline.

Labcorp Genetics (formerly Invitae), Labcorp
Classification: Uncertain significance for Autoimmune lymphoproliferative syndrome, type III caused by mutation in PRKCD. Last evaluated: 2023-12-07. Review status: criteria provided, single submitter. Criteria: Invitae Variant Classification Sherloc (09022015). Collection method: clinical testing. Allele origin: germline.
Comment: This sequence change replaces threonine, which is neutral and polar, with asparagine, which is neutral and polar, at codon 333 of the PRKCD protein (p.Thr333Asn). This variant is not present in population databases (gnomAD no frequency). This variant has not been reported in the literature in individuals affected with PRKCD-related conditions. ClinVar contains an entry for this variant (Variation ID: 842965). An algorithm developed to predict the effect of missense changes on protein structure and function (PolyPhen-2) suggests that this variant¬†is likely to be tolerated. In summary, the available evidence is currently insufficient to determine the role of this variant in disease. Therefore, it has been classified as a Variant of Uncertain Significance.

NM_006254.4(PRKCD):c.998C>A (p.Thr333Asn)

Gene: PRKCD (protein kinase C delta; plus strand). Cytogenetic location: 3p21.1.
Variant type: single nucleotide variant.
Coding change: c.998C>A on transcript NM_006254.4 (MANE Select); coding-DNA position 998, C replaced by A.
Protein change: p.Thr333Asn; replaces threonine 333 with asparagine.
Molecular consequence: missense variant.
Genome position (GRCh38, 1-based): chr3:53,185,939, C>A. VCF-style: chr3-53185939-C-A. GRCh37 (hg19) VCF-style: chr3-53219955-C-A.
Other names: c.998C>A, p.Thr333Asn (NM_001316327.2, NM_001354679.2, NM_001354680.2 and 1 more transcripts); c.1055C>A, p.Thr352Asn (NM_001354676.2); c.1046C>A, p.Thr349Asn (NM_001354678.2); short protein forms T352N, T349N, T333N.
Identifiers: ClinVar variation 842965 (VCV000842965.6), dbSNP rs1703664468, ClinGen allele CA353221121.